The following is an entry in ClinVar:

NM_001042681.2(RERE):c.3395G>A (p.Arg1132Lys)

Gene: RERE (arginine-glutamic acid dipeptide repeats; minus strand). Cytogenetic location: 1p36.23.
Variant type: single nucleotide variant.
Coding change: c.3395G>A on transcript NM_001042681.2 (MANE Select); coding-DNA position 3395, G replaced by A.
Protein change: p.Arg1132Lys; replaces arginine 1132 with lysine.
Molecular consequence: missense variant.
Genome position (GRCh38, 1-based): chr1:8,360,112, C>T on the plus strand (G>A on the coding strand, the complement: RERE is on the minus strand). VCF-style: chr1-8360112-C-T. GRCh37 (hg19) VCF-style: chr1-8420172-C-T.
Other names: c.1733G>A, p.Arg578Lys (NM_001042682.2); c.3395G>A, p.Arg1132Lys (NM_012102.4); c.3395G>A (NM_012102.3); short protein forms R1132K, R578K.
Identifiers: ClinVar variation 4855405 (VCV004855405.2).
Genomic context (GRCh38, chr1:8,360,112, plus strand): 5'-AGAACTTGCCCCCACCAGCCCACCTGTGCCTGACCCGTCCTGGAGCCCTAGGAAGCGTAC[C>T]TAGCTGACTGGCTGGCGTGACTGGGGGTGTCCACCACAGTGGGCTCCGGGGACGGGCTCC-3'
Protein context (NP_001036146.1, residues 1122-1142): DTPSHASQSA[Arg1132Lys]FYKHLDRGYN

ClinVar aggregate classification (germline): Uncertain significance. Review status: criteria provided, multiple submitters, no conflicts (2 of 4 stars). 2 submissions from 2 submitters: Uncertain significance (2). Last evaluated 2026-03-25.

Conditions:
Neurodevelopmental disorder with or without anomalies of the brain, eye, or heart (NEDBEH). Identifiers: Orphanet 494344, MedGen C5567477, MONDO:0014857, OMIM 616975.

Submissions (2):

GeneDx
Classification: Uncertain significance. Last evaluated: 2026-03-25. Review status: criteria provided, single submitter. Criteria: GeneDx Variant Classification Process June 2021. Collection method: clinical testing. Allele origin: germline.
Comment: Not observed at significant frequency in large population cohorts (gnomAD); In silico analysis suggests that this missense variant does not alter protein structure/function; In silico analysis suggests this variant may impact gene splicing. In the absence of RNA/functional studies, the actual effect of this sequence change is unknown.; Has not been previously published as pathogenic or benign to our knowledge

3billion
Classification: Uncertain significance for Neurodevelopmental disorder with or without anomalies of the brain, eye, or heart. Last evaluated: 2026-01-06. Review status: criteria provided, single submitter. Criteria: ACMG Guidelines, 2015. Collection method: clinical testing. Allele origin: germline. Affected: yes.
Comment: The variant is not observed in the gnomAD v4.1.0 dataset. Predicted Consequence/Location: Missense variant In silico tools predict the variant to alter splicing and produce an abnormal transcript [SpliceAI: 0.31 (>=0.2, moderate evidence for spliceogenicity)]. Therefore, this variant is classified as VUS according to the recommendation of ACMG/AMP guideline.